The following is an entry in ClinVar:

ClinVar aggregate classification (germline): Uncertain significance (1 of 4 stars; one submission).

Conditions:
CACNA1C-related disorder. Also called: CACNA1C-related condition; CACNA1C-related disorders. Identifiers: MedGen CN381092, MONDO:0700321.

Submission:

PreventionGenetics, part of Exact Sciences
Classification: Uncertain significance for CACNA1C-related condition. Last evaluated: 2025-06-19. Review status: criteria provided, single submitter. Criteria: ACMG Guidelines, 2015. Collection method: clinical testing. Allele origin: germline.
Comment: The CACNA1C c.3175T>G variant is predicted to result in the amino acid substitution p.Ser1059Ala. To our knowledge, this variant has not been reported in the literature or in a large population database (gnomAD), indicating this variant is rare. At this time, the clinical significance of this variant is uncertain due to the absence of conclusive functional and genetic evidence.

NM_000719.7(CACNA1C):c.3175T>G (p.Ser1059Ala)

Gene: CACNA1C (calcium voltage-gated channel subunit alpha1 C; plus strand). Cytogenetic location: 12p13.33.
Variant type: single nucleotide variant.
Coding change: c.3175T>G on transcript NM_000719.7 (MANE Select); coding-DNA position 3175, T replaced by G.
Protein change: p.Ser1059Ala; replaces serine 1059 with alanine.
Molecular consequence: missense variant.
Genome position (GRCh38, 1-based): chr12:2,606,629, T>G. VCF-style: chr12-2606629-T-G. GRCh37 (hg19) VCF-style: chr12-2715795-T-G.
Other names: c.3235T>G, p.Ser1079Ala (NM_001129827.2, NM_001129832.2, NM_199460.4); c.3175T>G, p.Ser1059Ala (NM_001129829.2, NM_001129830.3, NM_001129831.2 and 15 more transcripts); c.3166T>G, p.Ser1056Ala (NM_001129844.2); short protein forms S1056A, S1079A, S1059A.
Identifiers: ClinVar variation 4997597 (VCV004997597.1).